The following is an entry in ClinVar:

NM_001854.4(COL11A1):c.5280A>T (p.Arg1760Ser)

Gene: COL11A1 (collagen type XI alpha 1 chain; minus strand). Cytogenetic location: 1p21.1.
Variant type: single nucleotide variant.
Coding change: c.5280A>T on transcript NM_001854.4 (MANE Select); coding-DNA position 5280, A replaced by T.
Protein change: p.Arg1760Ser; replaces arginine 1760 with serine.
Molecular consequence: missense variant. On other transcripts: non-coding transcript variant (1).
Genome position (GRCh38, 1-based): chr1:102,878,160, T>A on the plus strand (A>T on the coding strand, the complement: COL11A1 is on the minus strand). VCF-style: chr1-102878160-T-A. GRCh37 (hg19) VCF-style: chr1-103343716-T-A.
Other names: c.4932A>T, p.Arg1644Ser (NM_001168249.1, NM_080630.4); c.5163A>T, p.Arg1721Ser (NM_001190709.2); c.5316A>T, p.Arg1772Ser (NM_080629.3); short protein forms R1644S, R1721S, R1760S, R1772S.
Identifiers: ClinVar variation 1722112 (VCV001722112.5), dbSNP rs2524144840, ClinGen allele CA341210700.

ClinVar aggregate classification (germline): Uncertain significance (1 of 4 stars; one submission).

Submission:

Labcorp Genetics (formerly Invitae), Labcorp
Classification: Uncertain significance. Last evaluated: 2022-10-24. Review status: criteria provided, single submitter. Criteria: Invitae Variant Classification Sherloc (09022015). Collection method: clinical testing. Allele origin: germline.
Comment: In summary, the available evidence is currently insufficient to determine the role of this variant in disease. Therefore, it has been classified as a Variant of Uncertain Significance. Advanced modeling of protein sequence and biophysical properties (such as structural, functional, and spatial information, amino acid conservation, physicochemical variation, residue mobility, and thermodynamic stability) performed at Invitae indicates that this missense variant is not expected to disrupt COL11A1 protein function. This variant has not been reported in the literature in individuals affected with COL11A1-related conditions. This variant is not present in population databases (gnomAD no frequency). This sequence change replaces arginine, which is basic and polar, with serine, which is neutral and polar, at codon 1760 of the COL11A1 protein (p.Arg1760Ser).